The following is an entry in ClinVar:

ClinVar aggregate classification (germline): Uncertain significance (1 of 4 stars; one submission).

Conditions:
Hereditary breast ovarian cancer syndrome. Also called: Hereditary breast and ovarian cancer syndrome (HBOC); Breast and ovarian cancer; BRCA1- and BRCA2-Associated Hereditary Breast and Ovarian Cancer; Hereditary breast and ovarian cancer syndrome; Hereditary breast and ovarian cancer; Hereditary breast and/or ovarian cancer syndrome. Identifiers: Orphanet 145, MedGen C0677776, MeSH D061325, MONDO:0003582. Disease mechanism: loss of function.

Submission:

Labcorp Genetics (formerly Invitae), Labcorp
Classification: Uncertain significance for Hereditary breast ovarian cancer syndrome. Last evaluated: 2023-02-16. Review status: criteria provided, single submitter. Criteria: Invitae Variant Classification Sherloc (09022015). Collection method: clinical testing. Allele origin: germline.
Comment: In summary, the available evidence is currently insufficient to determine the role of this variant in disease. Therefore, it has been classified as a Variant of Uncertain Significance. Advanced modeling of protein sequence and biophysical properties (such as structural, functional, and spatial information, amino acid conservation, physicochemical variation, residue mobility, and thermodynamic stability) performed at Invitae indicates that this missense variant is not expected to disrupt BRCA2 protein function. This variant has not been reported in the literature in individuals affected with BRCA2-related conditions. This variant is not present in population databases (gnomAD no frequency). This sequence change replaces proline, which is neutral and non-polar, with threonine, which is neutral and polar, at codon 1171 of the BRCA2 protein (p.Pro1171Thr).

NM_000059.4(BRCA2):c.3511C>A (p.Pro1171Thr)

Gene: BRCA2 (BRCA2 DNA repair associated; plus strand). Cytogenetic location: 13q13.1.
Variant type: single nucleotide variant.
Coding change: c.3511C>A on transcript NM_000059.4 (MANE Select); coding-DNA position 3511, C replaced by A.
Protein change: p.Pro1171Thr; replaces proline 1171 with threonine.
Molecular consequence: missense variant. On other transcripts: non-coding transcript variant (1), intron variant (2).
Genome position (GRCh38, 1-based): chr13:32,337,866, C>A. VCF-style: chr13-32337866-C-A. GRCh37 (hg19) VCF-style: chr13-32912003-C-A.
Other names: c.3511C>A, p.Pro1171Thr (NM_001406719.1, NM_001406720.1); c.1909+4479C>A (NM_001406721.1); c.425-6692C>A (NM_001406722.1); short protein forms P1171T.
Identifiers: ClinVar variation 2836263 (VCV002836263.3), dbSNP rs2137497389, ClinGen allele CA387777001.